The following is an entry in ClinVar:

ClinVar aggregate classification (germline): Benign. Review status: criteria provided, multiple submitters, no conflicts (2 of 4 stars). 5 submissions from 5 submitters: Benign (4). 1 of the submissions does not count toward it. Last evaluated 2026-01-27.

Conditions:
VPS13C-related disorder. Also called: VPS13C-related condition.

Allele frequency attached by ClinVar (database versions not stated): 1000 Genomes Project 0.06909; ESP Exome Variant Server 0.05321; 1000 Genomes Project 30x 0.06996.
gnomAD v4.1: 49,603 of 1,613,738 alleles (3.1%); highest among the groups gnomAD compares: African/African-American, 12%; 1,259 homozygotes.

Submissions (5):

Labcorp Genetics (formerly Invitae), Labcorp
Classification: Benign. Last evaluated: 2026-01-27. Review status: criteria provided, single submitter. Criteria: Invitae Variant Classification Sherloc (09022015). Collection method: clinical testing. Allele origin: germline.

Mayo Clinic Laboratories, Mayo Clinic
Classification: Benign. Last evaluated: 2022-03-24. Review status: criteria provided, single submitter. Criteria: ACMG Guidelines, 2015. Collection method: clinical testing. Allele origin: germline. Observed: 33 variant alleles.

GeneDx
Classification: Benign. Last evaluated: 2021-05-05. Review status: criteria provided, single submitter. Criteria: GeneDx Variant Classification Process June 2021. Collection method: clinical testing. Allele origin: germline. Affected: yes.

Breakthrough Genomics
Classification: Benign. Review status: criteria provided, single submitter. Criteria: ACMG Guidelines, 2015. Collection method: not provided. Allele origin: germline. Inheritance: Autosomal recessive inheritance. Affected: yes.

PreventionGenetics, part of Exact Sciences
Classification: Benign for VPS13C-related condition. Last evaluated: 2019-04-15. Review status: no assertion criteria provided. Collection method: clinical testing. Allele origin: germline. Not counted in ClinVar's aggregate classification.
Comment: This variant is classified as benign based on ACMG/AMP sequence variant interpretation guidelines (Richards et al. 2015 PMID: 25741868, with internal and published modifications).

NM_020821.3(VPS13C):c.8988A>T (p.Pro2996=)

Gene: VPS13C (vacuolar protein sorting 13 homolog C; minus strand). Cytogenetic location: 15q22.2.
Variant type: single nucleotide variant.
Coding change: c.8988A>T on transcript NM_020821.3 (MANE Select); coding-DNA position 8988, A replaced by T.
Protein change: p.Pro2996=; no amino-acid change (proline 2996 retained).
Molecular consequence: synonymous variant.
Genome position (GRCh38, 1-based): chr15:61,907,381, T>A on the plus strand (A>T on the coding strand, the complement: VPS13C is on the minus strand). VCF-style: chr15-61907381-T-A. GRCh37 (hg19) VCF-style: chr15-62199580-T-A.
Other names: p.Pro2996=; c.8988A>T, p.Pro2996= (NM_001018088.3); c.8859A>T, p.Pro2953= (NM_017684.5, NM_018080.4).
Identifiers: ClinVar variation 1288720 (VCV001288720.13), dbSNP rs9920256, ClinGen allele CA7594798.